The following is an entry in ClinVar:

NM_000507.4(FBP1):c.132_147delinsGCACCTGTGATGC (p.Ile45_Val49delinsHisLeuTer)

Gene: FBP1 (fructose-bisphosphatase 1; minus strand). Cytogenetic location: 9q22.32.
Variant type: Indel.
Coding change: c.132_147delinsGCACCTGTGATGC on transcript NM_000507.4 (MANE Select); coding-DNA positions 132 to 147, CATCTCTTCGGCGGTG replaced by GCACCTGTGATGC.
Protein change: p.Ile45_Val49delinsHisLeuTer.
Molecular consequence: nonsense.
Genome position (GRCh38, 1-based): chr9:94,639,164-94,639,179, CACCGCCGAAGAGATG replaced by GCATCACAGGTGC on the plus strand (CATCTCTTCGGCGGTG replaced by GCACCTGTGATGC on the coding strand, the reverse complement: FBP1 is on the minus strand). VCF-style: chr9-94639164-CACCGCCGAAGAGATG-GCATCACAGGTGC. GRCh37 (hg19) VCF-style: chr9-97401446-CACCGCCGAAGAGATG-GCATCACAGGTGC.
Other names: c.132_147delinsGCACCTGTGATGC, p.Ile45_Val49delinsHisLeuTer (NM_001127628.2).
Identifiers: ClinVar variation 4854637 (VCV004854637.1).
Genomic context (GRCh38, chr9:94,639,164, plus strand): 5'-AGACAGGACGGGGCCCACCGCCCAAGGCCCGACTCACAGGTGCGCGATGCCCGCCTTGCG[CACCGCCGAAGAGATG>GCATCACAGGTGC]GCTTTGACTGCTGTGCAGAGCGAGTTGAGCAGCTGGGTCAACTCGCCCGTGCCGCGGGCC-3'

ClinVar aggregate classification (germline): Pathogenic (1 of 4 stars; one submission).

Conditions:
Fructose-biphosphatase deficiency (FBP1D). Also called: Fructose-1,6-Diphosphatase Deficiency; Fructose 1,6 Bisphosphatase Deficiency; Fructose-1,6-Bisphosphatase 1 Deficiency. Identifiers: Orphanet 348, MedGen C0016756, MONDO:0009251, OMIM 229700.

Submission:

3billion
Classification: Pathogenic for Fructose-biphosphatase deficiency. Last evaluated: 2025-11-26. Review status: criteria provided, single submitter. Criteria: ACMG Guidelines, 2015. Collection method: clinical testing. Allele origin: germline. Affected: yes.
Comment: The variant is not observed in the gnomAD v4.1.0 dataset. Predicted Consequence/Location: Stop-gained (nonsense): predicted to result in a loss or disruption of normal protein function through nonsense-mediated decay (NMD) or protein truncation. Multiple pathogenic variants are reported downstream of the variant. Therefore, this variant is classified as Pathogenic according to the recommendation of ACMG/AMP guideline.